The following is an entry in ClinVar:

ClinVar aggregate classification (germline): Benign/Likely benign. Review status: criteria provided, multiple submitters, no conflicts (2 of 4 stars). 3 submissions from 3 submitters: Benign (1); Likely benign (2). Last evaluated 2025-02-18.

Conditions:
Hereditary cancer-predisposing syndrome. Also called: Tumor predisposition; Neoplastic Syndromes, Hereditary; Hereditary Cancer Syndrome; Hereditary neoplastic syndrome. Identifiers: Orphanet 140162, MedGen C0027672, MeSH D009386, MONDO:0015356.
Familial cancer of breast. Also called: BREAST CANCER, FAMILIAL; Hereditary breast cancer; hereditary breast carcinoma. Identifiers: Orphanet 227535, MedGen C0346153, MONDO:0016419, OMIM 114480. Disease mechanism: loss of function.
Ataxia-telangiectasia syndrome (AT). Also called: Cerebello-oculocutaneous telangiectasia; Immunodeficiency with ataxia telangiectasia; ATAXIA-TELANGIECTASIA, COMPLEMENTATION GROUP A; Ataxia-telangiectasia, complementation group D; AT, COMPLEMENTATION GROUP C; ATAXIA-TELANGIECTASIA, FRESNO VARIANT. Identifiers: Orphanet 100, MedGen C0004135, MONDO:0008840, OMIM 208900.

Allele frequency attached by ClinVar (database versions not stated): gnomAD exomes below 0.00001; ExAC 0.00001; ESP Exome Variant Server 0.00008.

Submissions (3):

Labcorp Genetics (formerly Invitae), Labcorp
Classification: Likely benign for Ataxia-telangiectasia syndrome. Last evaluated: 2025-02-18. Review status: criteria provided, single submitter. Criteria: Invitae Variant Classification Sherloc (09022015). Collection method: clinical testing. Allele origin: germline.

Myriad Genetics, Inc.
Classification: Benign for Familial cancer of breast. Last evaluated: 2024-05-16. Review status: criteria provided, single submitter. Criteria: Myriad Autosomal Dominant, Autosomal Recessive and X-Linked Classification Criteria (2023). Collection method: clinical testing. Allele origin: unknown.
Comment: This variant is considered benign. This variant is a silent/synonymous amino acid change and it is not expected to impact splicing.

Ambry Genetics
Classification: Likely benign for Hereditary cancer-predisposing syndrome. Last evaluated: 2017-04-16. Review status: criteria provided, single submitter. Criteria: Ambry Variant Classification Scheme 2023. Collection method: clinical testing. Allele origin: germline.

NM_000051.4(ATM):c.4077C>G (p.Ala1359=)

Gene: ATM (ATM serine/threonine kinase; plus strand). Cytogenetic location: 11q22.3.
Variant type: single nucleotide variant.
Coding change: c.4077C>G on transcript NM_000051.4 (MANE Select); coding-DNA position 4077, C replaced by G.
Protein change: p.Ala1359=; no amino-acid change (alanine 1359 retained).
Molecular consequence: synonymous variant.
Genome position (GRCh38, 1-based): chr11:108,287,683, C>G. VCF-style: chr11-108287683-C-G. GRCh37 (hg19) VCF-style: chr11-108158410-C-G.
Other names: c.4077C>G, p.Ala1359= (NM_001351834.2).
Identifiers: ClinVar variation 479093 (VCV000479093.14), dbSNP rs375606854, ClinGen allele CA6265390.